The following is an entry in ClinVar:

NM_004525.3(LRP2):c.6526A>T (p.Ile2176Phe)

Gene: LRP2 (LDL receptor related protein 2; minus strand). Cytogenetic location: 2q31.1.
Variant type: single nucleotide variant.
Coding change: c.6526A>T on transcript NM_004525.3 (MANE Select); coding-DNA position 6526, A replaced by T.
Protein change: p.Ile2176Phe; replaces isoleucine 2176 with phenylalanine.
Molecular consequence: missense variant.
Genome position (GRCh38, 1-based): chr2:169,207,194, T>A on the plus strand (A>T on the coding strand, the complement: LRP2 is on the minus strand). VCF-style: chr2-169207194-T-A. GRCh37 (hg19) VCF-style: chr2-170063704-T-A.
Other names: short protein forms I2176F.
Identifiers: ClinVar variation 3709510 (VCV003709510.2).
Genomic context (GRCh38, chr2:169,207,194, plus strand): 5'-CAATATGCCTAGGCATGTCCACTGTGACTTTAAGAAGAACACGGCGGTAAGTAGTATTGA[T>A]CCGCAGAACTTCTATCAGTGTTTCAGAAACAAAGGCATTGGTGAAATAAAGATTTCCTAT-3'
Protein context (NP_004516.2, residues 2166-2186): VSETLIEVLR[Ile2176Phe]NTTYRRVLLK

ClinVar aggregate classification (germline): Uncertain significance (1 of 4 stars; one submission).

Submission:

Labcorp Genetics (formerly Invitae), Labcorp
Classification: Uncertain significance. Last evaluated: 2024-11-18. Review status: criteria provided, single submitter. Criteria: Invitae Variant Classification Sherloc (09022015). Collection method: clinical testing. Allele origin: germline.
Comment: This sequence change replaces isoleucine, which is neutral and non-polar, with phenylalanine, which is neutral and non-polar, at codon 2176 of the LRP2 protein (p.Ile2176Phe). This variant is not present in population databases (gnomAD no frequency). This variant has not been reported in the literature in individuals affected with LRP2-related conditions. Invitae Evidence Modeling of protein sequence and biophysical properties (such as structural, functional, and spatial information, amino acid conservation, physicochemical variation, residue mobility, and thermodynamic stability) indicates that this missense variant is not expected to disrupt LRP2 protein function with a negative predictive value of 95%. In summary, the available evidence is currently insufficient to determine the role of this variant in disease. Therefore, it has been classified as a Variant of Uncertain Significance.